The following is an entry in ClinVar:

NM_024312.5(GNPTAB):c.2923del (p.Glu975fs)

Gene: GNPTAB (N-acetylglucosamine-1-phosphate transferase subunits alpha and beta; minus strand). Cytogenetic location: 12q23.2.
Variant type: Deletion.
Coding change: c.2923del on transcript NM_024312.5 (MANE Select); coding-DNA position 2923, one base deleted (G; older notation c.2923delG).
Protein change: p.Glu975fs; shifts the reading frame from glutamic acid 975.
Molecular consequence: frameshift variant.
Genome position (GRCh38, 1-based): chr12:101,761,339, C deleted on the plus strand (G on the coding strand, the reverse complement: GNPTAB is on the minus strand). VCF-style (leftmost placement, unchanged base first): chr12-101761338-TC-T. GRCh37 (hg19) VCF-style: chr12-102155116-TC-T.
Other names: short protein forms E975fs.
Identifiers: ClinVar variation 1451897 (VCV001451897.6), dbSNP rs2137112309, ClinGen allele CA2573147944.

ClinVar aggregate classification (germline): Pathogenic (1 of 4 stars; one submission).

Conditions:
Pseudo-Hurler polydystrophy. Also called: ML III; ML III ALPHA/BETA; MUCOLIPIDOSIS IIIA; Type III Mucolipidosis; ML IIIA; Mucolipidosis III Alpha/Beta. Identifiers: Orphanet 423461, Orphanet 577, MedGen C0033788, MONDO:0018931, OMIM 252600.
Mucolipidosis type II. Also called: ML II ALPHA/BETA; Mucolipidosis 2; ML 2; Inclusion cell disease; Leroy Disease; N-acetylglucosamine 1phosphotransferase deficiency. Identifiers: Orphanet 576, MedGen C2673377, MONDO:0009650, OMIM 252500.

Submission:

Labcorp Genetics (formerly Invitae), Labcorp
Classification: Pathogenic for Pseudo-Hurler polydystrophy; Mucolipidosis type II. Last evaluated: 2021-12-08. Review status: criteria provided, single submitter. Criteria: Invitae Variant Classification Sherloc (09022015). Collection method: clinical testing. Allele origin: germline.
Comment: This sequence change creates a premature translational stop signal (p.Glu975Lysfs*28) in the GNPTAB gene. It is expected to result in an absent or disrupted protein product. Loss-of-function variants in GNPTAB are known to be pathogenic (PMID: 19617216, 25107912). This variant is not present in population databases (gnomAD no frequency). This variant has not been reported in the literature in individuals affected with GNPTAB-related conditions. For these reasons, this variant has been classified as Pathogenic.

Literature cited by the submitters: PubMed 19617216; PubMed 25107912.